The following is an entry in ClinVar:

NM_014244.5(ADAMTS2):c.2477C>T (p.Thr826Ile)

Gene: ADAMTS2 (ADAM metallopeptidase with thrombospondin type 1 motif 2; minus strand). Cytogenetic location: 5q35.3.
Variant type: single nucleotide variant.
Coding change: c.2477C>T on transcript NM_014244.5 (MANE Select); coding-DNA position 2477, C replaced by T.
Protein change: p.Thr826Ile; replaces threonine 826 with isoleucine.
Molecular consequence: missense variant.
Genome position (GRCh38, 1-based): chr5:179,128,099, G>A on the plus strand (C>T on the coding strand, the complement: ADAMTS2 is on the minus strand). VCF-style: chr5-179128099-G-A. GRCh37 (hg19) VCF-style: chr5-178555100-G-A.
Other names: short protein forms T826I.
Identifiers: ClinVar variation 2148238 (VCV002148238.2), dbSNP rs1363173443, ClinGen allele CA362423536.

ClinVar aggregate classification (germline): Uncertain significance (1 of 4 stars; one submission).

Conditions:
Ehlers-Danlos syndrome, dermatosparaxis type. Also called: EDS VIIC; Dermatosparaxis; Ehlers-Danlos syndrome, type VII, autosomal recessive. Identifiers: Orphanet 1901, MedGen C2700425, MONDO:0009161, OMIM 225410.

Allele frequency attached by ClinVar (database versions not stated): TOPMed below 0.00001.
gnomAD v4.1: 2 of 1,613,558 alleles (0.00012%); highest among the groups gnomAD compares: African/African-American, 0.0027%; no homozygotes.

Submission:

Labcorp Genetics (formerly Invitae), Labcorp
Classification: Uncertain significance for Ehlers-Danlos syndrome, dermatosparaxis type. Last evaluated: 2022-03-13. Review status: criteria provided, single submitter. Criteria: Invitae Variant Classification Sherloc (09022015). Collection method: clinical testing. Allele origin: germline.
Comment: In summary, the available evidence is currently insufficient to determine the role of this variant in disease. Therefore, it has been classified as a Variant of Uncertain Significance. Algorithms developed to predict the effect of missense changes on protein structure and function (SIFT, PolyPhen-2, Align-GVGD) all suggest that this variant is likely to be tolerated. This variant has not been reported in the literature in individuals affected with ADAMTS2-related conditions. This variant is not present in population databases (gnomAD no frequency). This sequence change replaces threonine, which is neutral and polar, with isoleucine, which is neutral and non-polar, at codon 826 of the ADAMTS2 protein (p.Thr826Ile).